The following is an entry in ClinVar:

ClinVar aggregate classification (germline): Conflicting classifications of pathogenicity. Review status: criteria provided, conflicting classifications (1 of 4 stars). 3 submissions from 3 submitters: Uncertain significance (2); Likely benign (1). Last evaluated 2026-04-28.

Conditions:
Gastrointestinal stromal tumor. Also called: Gastrointestinal stroma tumor; Gastrointestinal stromal tumor, somatic. Identifiers: Orphanet 44890, MedGen C0238198, MeSH D046152, MONDO:0011719, OMIM 606764, HP:0100723.
Pheochromocytoma/paraganglioma syndrome 3. Also called: SDHC-Related Hereditary Paraganglioma-Pheochromocytoma Syndrome (Paragangliomas 3); SDHC-Related Hereditary Paraganglioma-Pheochromocytoma Syndrome; Paragangliomas 3; GLOMUS TUMORS, FAMILIAL, 3. Identifiers: Orphanet 29072, MedGen C1854336, MONDO:0011544, OMIM 605373.
Hereditary cancer-predisposing syndrome. Also called: Tumor predisposition; Hereditary Cancer Syndrome; Neoplastic Syndromes, Hereditary; Hereditary neoplastic syndrome. Identifiers: Orphanet 140162, MedGen C0027672, MeSH D009386, MONDO:0015356.

Allele frequency attached by ClinVar (database versions not stated): gnomAD exomes below 0.00001.
gnomAD v4.1: 1 of 1,612,934 alleles (0.000062%); highest among the groups gnomAD compares: Admixed American, 0.0017%; no homozygotes.

Submissions (3):

Ambry Genetics
Classification: Uncertain significance for Hereditary cancer-predisposing syndrome. Last evaluated: 2026-04-28. Review status: criteria provided, single submitter. Criteria: Ambry Variant Classification Scheme 2023. Collection method: clinical testing. Allele origin: germline.
Comment: The c.180-3C>T intronic variant results from a C to T substitution 3 nucleotides upstream from coding exon 4 in the SDHC gene. This nucleotide position is well conserved in available vertebrate species. In silico splice site analysis predicts that this alteration will not have any significant effect on splicing. Based on the available evidence, the clinical significance of this variant remains unclear.

Labcorp Genetics (formerly Invitae), Labcorp
Classification: Likely benign for Pheochromocytoma/paraganglioma syndrome 3; Gastrointestinal stromal tumor. Last evaluated: 2025-12-08. Review status: criteria provided, single submitter. Criteria: Invitae Variant Classification Sherloc (09022015). Collection method: clinical testing. Allele origin: germline.

GeneDx
Classification: Uncertain significance. Last evaluated: 2021-06-30. Review status: criteria provided, single submitter. Criteria: GeneDx Variant Classification Process June 2021. Collection method: clinical testing. Allele origin: germline. Affected: yes.
Comment: Has not been previously published as pathogenic or benign to our knowledge; In-silico analysis, which includes splice predictors and evolutionary conservation, is inconclusive as to whether the variant alters gene splicing. In the absence of RNA/functional studies, the actual effect of this sequence change is unknown.; Not observed at significant frequency in large population cohorts (Lek 2016); This variant is associated with the following publications: (PMID: 27535533)

NM_003001.5(SDHC):c.180-3C>T

Gene: SDHC (succinate dehydrogenase complex subunit C; plus strand). Cytogenetic location: 1q23.3.
Variant type: single nucleotide variant.
Coding change: c.180-3C>T on transcript NM_003001.5 (MANE Select); 3 bases into the intron before coding-DNA position 180, C replaced by T.
Molecular consequence: intron variant.
Genome position (GRCh38, 1-based): chr1:161,340,591, C>T. VCF-style: chr1-161340591-C-T. GRCh37 (hg19) VCF-style: chr1-161310381-C-T.
Other names: c.69-3C>T (NM_001407119.1, NM_001407120.1); c.300-3C>T (NM_001407115.1); c.180-3C>T (NM_001035511.3, NM_003001.3); c.78-3C>T (NM_001035512.3, NM_001278172.3, NM_001407118.1); c.123-3C>T (NM_001407116.1, NM_001407121.1, NM_001407117.1); c.21-3C>T (NM_001035513.3).
Identifiers: ClinVar variation 1331275 (VCV001331275.10), dbSNP rs1328389180, ClinGen allele CA526862009.
Genomic context (GRCh38, chr1:161,340,591, plus strand): 5'-TAGACTCTCTACTATGGTGTCATCTTTTCCTTTTTAAAATTGTCTTTGTGTGTTTCTTTA[C>T]AGTTGGTCTCTTCCCATGGCGATGTCCATCTGCCACCGTGGCACTGGTATTGCTTTGAGT-3'